The following is an entry in ClinVar:

NM_000179.3(MSH6):c.3959C>T (p.Ala1320Val)

Gene: MSH6 (mutS homolog 6; plus strand). Cytogenetic location: 2p16.3.
Variant type: single nucleotide variant.
Coding change: c.3959C>T on transcript NM_000179.3 (MANE Select); coding-DNA position 3959, C replaced by T.
Protein change: p.Ala1320Val; replaces alanine 1320 with valine.
Molecular consequence: missense variant. On other transcripts: nonsense (1), non-coding transcript variant (5), intron variant (1).
Genome position (GRCh38, 1-based): chr2:47,806,609, C>T. VCF-style: chr2-47806609-C-T. GRCh37 (hg19) VCF-style: chr2-48033748-C-T.
Other names: c.3569C>T, p.Ala1190Val (NM_001281492.2); c.3053C>T, p.Ala1018Val (NM_001281493.2, NM_001281494.2, NM_001406811.1 and 6 more transcripts); c.4055C>T, p.Ala1352Val (NM_001406795.1); c.3959C>T, p.Ala1320Val (NM_001406796.1, NM_001406808.1, NM_001406809.1); c.3662C>T, p.Ala1221Val (NM_001406797.1, NM_001406801.1, NM_001406805.1 and 10 more transcripts); c.3785C>T, p.Ala1262Val (NM_001406798.1); c.3434C>T, p.Ala1145Val (NM_001406799.1, NM_001406806.1, NM_001406807.1); c.3946C>T, p.Gln1316Ter (NM_001406800.1); and 9 more; short protein forms A1032V, A1262V, A1320V, A1322V, A1145V, A1221V, A1294V, A1352V.
Identifiers: ClinVar variation 2453160 (VCV002453160.5), dbSNP rs1670139654, ClinGen allele CA346761542.

ClinVar aggregate classification (germline): Uncertain significance. Review status: criteria provided, multiple submitters, no conflicts (2 of 4 stars). 2 submissions from 2 submitters: Uncertain significance (2). Last evaluated 2025-02-18.

Conditions:
Hereditary cancer-predisposing syndrome. Also called: Neoplastic Syndromes, Hereditary; Tumor predisposition; Hereditary neoplastic syndrome; Hereditary Cancer Syndrome. Identifiers: Orphanet 140162, MedGen C0027672, MeSH D009386, MONDO:0015356.
Hereditary nonpolyposis colorectal neoplasms. Identifiers: MedGen C0009405, MeSH D003123.

Allele frequency attached by ClinVar (database versions not stated): gnomAD exomes below 0.00001.
gnomAD v4.1: 1 of 1,612,606 alleles (0.000062%); highest among the groups gnomAD compares: Non-Finnish European, 0.000085%; no homozygotes.

Submissions (2):

Labcorp Genetics (formerly Invitae), Labcorp
Classification: Uncertain significance for Hereditary nonpolyposis colorectal neoplasms. Last evaluated: 2025-02-18. Review status: criteria provided, single submitter. Criteria: Invitae Variant Classification Sherloc (09022015). Collection method: clinical testing. Allele origin: germline.
Comment: This sequence change replaces alanine, which is neutral and non-polar, with valine, which is neutral and non-polar, at codon 1320 of the MSH6 protein (p.Ala1320Val). This variant is not present in population databases (gnomAD no frequency). This variant has not been reported in the literature in individuals affected with MSH6-related conditions. ClinVar contains an entry for this variant (Variation ID: 2453160). Invitae Evidence Modeling of protein sequence and biophysical properties (such as structural, functional, and spatial information, amino acid conservation, physicochemical variation, residue mobility, and thermodynamic stability) indicates that this missense variant is not expected to disrupt MSH6 protein function with a negative predictive value of 95%. Algorithms developed to predict the effect of sequence changes on RNA splicing suggest that this variant may disrupt the consensus splice site. In summary, the available evidence is currently insufficient to determine the role of this variant in disease. Therefore, it has been classified as a Variant of Uncertain Significance.

Ambry Genetics
Classification: Uncertain significance for Hereditary cancer-predisposing syndrome. Last evaluated: 2022-11-23. Review status: criteria provided, single submitter. Criteria: Ambry Variant Classification Scheme 2023. Collection method: clinical testing. Allele origin: germline.
Comment: The p.A1320V variant (also known as c.3959C>T), located in coding exon 9 of the MSH6 gene, results from a C to T substitution at nucleotide position 3959. The alanine at codon 1320 is replaced by valine, an amino acid with similar properties. This amino acid position is highly conserved in available vertebrate species. In addition, this alteration is predicted to be deleterious by in silico analysis. Since supporting evidence is limited at this time, the clinical significance of this alteration remains unclear.